The following is an entry in ClinVar:

NM_001365951.3(KIF1B):c.1708G>C (p.Val570Leu)

Gene: KIF1B (kinesin family member 1B; plus strand). Cytogenetic location: 1p36.22.
Variant type: single nucleotide variant.
Coding change: c.1708G>C on transcript NM_001365951.3 (MANE Select); coding-DNA position 1708, G replaced by C.
Protein change: p.Val570Leu; replaces valine 570 with leucine.
Molecular consequence: missense variant.
Genome position (GRCh38, 1-based): chr1:10,295,697, G>C. VCF-style: chr1-10295697-G-C. GRCh37 (hg19) VCF-style: chr1-10355755-G-C.
Other names: c.1708G>C, p.Val570Leu (NM_001365952.1); c.1570G>C, p.Val524Leu (NM_001365953.1, NM_015074.3, NM_183416.4); short protein forms V524L, V570L.
Identifiers: ClinVar variation 1775504 (VCV001775504.7), dbSNP rs1257881121, ClinGen allele CA338314875.

ClinVar aggregate classification (germline): Uncertain significance. Review status: criteria provided, multiple submitters, no conflicts (2 of 4 stars). 2 submissions from 2 submitters: Uncertain significance (2). Last evaluated 2025-10-27.

Conditions:
Charcot-Marie-Tooth disease type 2. Also called: Charcot-Marie-Tooth type 2. Identifiers: Orphanet 64746, MedGen C0270914, MONDO:0018993.

Allele frequency attached by ClinVar (database versions not stated): gnomAD exomes below 0.00001; TOPMed below 0.00001; gnomAD 0.00001.
gnomAD v4.1: 5 of 1,613,738 alleles (0.00031%); highest among the groups gnomAD compares: Admixed American, 0.0033%; no homozygotes.

Submissions (2):

Ambry Genetics
Classification: Uncertain significance. Last evaluated: 2025-10-27. Review status: criteria provided, single submitter. Criteria: Ambry Variant Classification Scheme 2023. Collection method: clinical testing. Allele origin: germline.
Comment: The p.V524L variant (also known as c.1570G>C), located in coding exon 16 of the KIF1B gene, results from a G to C substitution at nucleotide position 1570. The valine at codon 524 is replaced by leucine, an amino acid with highly similar properties. This amino acid position is highly conserved in available vertebrate species. In addition, the in silico prediction for this alteration is inconclusive. Since supporting evidence is limited at this time, the clinical significance of this alteration remains unclear.

Labcorp Genetics (formerly Invitae), Labcorp
Classification: Uncertain significance for Charcot-Marie-Tooth disease type 2. Last evaluated: 2025-08-20. Review status: criteria provided, single submitter. Criteria: Invitae Variant Classification Sherloc (09022015). Collection method: clinical testing. Allele origin: germline.
Comment: This sequence change replaces valine, which is neutral and non-polar, with leucine, which is neutral and non-polar, at codon 524 of the KIF1B protein (p.Val524Leu). This variant is not present in population databases (gnomAD no frequency). This variant has not been reported in the literature in individuals affected with KIF1B-related conditions. ClinVar contains an entry for this variant (Variation ID: 1775504). Invitae Evidence Modeling of protein sequence and biophysical properties (such as structural, functional, and spatial information, amino acid conservation, physicochemical variation, residue mobility, and thermodynamic stability) indicates that this missense variant is not expected to disrupt KIF1B protein function with a negative predictive value of 80%. In summary, the available evidence is currently insufficient to determine the role of this variant in disease. Therefore, it has been classified as a Variant of Uncertain Significance.